The following is an entry in ClinVar:

ClinVar aggregate classification (germline): Likely benign (0 of 4 stars; one submission).

Conditions:
Pancreatic cancer, susceptibility to, 1. Identifiers: Orphanet 1333, MedGen C1847351, MONDO:0011739, OMIM 606856.

Allele frequency attached by ClinVar (database versions not stated): gnomAD 0.00002; ExAC 0.00011.
gnomAD v4.1: 94 of 1,613,962 alleles (0.0058%); highest among the groups gnomAD compares: Non-Finnish European, 0.0067%; no homozygotes.

Submission:

University of Washington Department of Laboratory Medicine, University of Washington
Classification: Likely benign for Pancreatic cancer, susceptibility to, 1. Last evaluated: 2022-07-27. Review status: no assertion criteria provided. Collection method: clinical testing. Allele origin: unknown. Affected: no.
Comment: This variant is present in ClinVar with one entry (Variation ID: 1022482). This variant is present in 23 chromosomes in the Genome Aggregation Database (gnomAD), which aims to exclude individuals with severe pediatric disease. Additionally, gnomAD data for the PALLD gene indicates that it likely tolerates loss-of-function variants. Some missense variants in PALLD have been associated with increased pancreatic cancer risk (Pogue-Geile 2006, Liotta 2021); however, this remains contested within the medical community and literature (Zogopoulos 2007). Heterozygous protein truncating variants in PALLD have not been previously reported as associated with increased cancer risk.

Literature cited by the submitters: PubMed 17194196; PubMed 33764904; PubMed 17415588.

NM_001166108.2(PALLD):c.296C>A (p.Ser99Ter)

Gene: PALLD (palladin, cytoskeletal associated protein; plus strand). Cytogenetic location: 4q32.3.
Variant type: single nucleotide variant.
Coding change: c.296C>A on transcript NM_001166108.2 (MANE Select); coding-DNA position 296, C replaced by A.
Protein change: p.Ser99Ter; replaces serine 99 with a stop codon.
Molecular consequence: nonsense.
Genome position (GRCh38, 1-based): chr4:168,511,800, C>A. VCF-style: chr4-168511800-C-A. GRCh37 (hg19) VCF-style: chr4-169432951-C-A.
Other names: c.296C>A, p.Ser99Ter (NM_016081.4); short protein forms S99*.
Identifiers: ClinVar variation 1703195 (VCV001703195.2), dbSNP rs200093398, ClinGen allele CA3135336.